The following is an entry in ClinVar:

ClinVar aggregate classification (germline): Conflicting classifications of pathogenicity. Review status: criteria provided, conflicting classifications (1 of 4 stars). 5 submissions from 5 submitters: Uncertain significance (4); Likely benign (1). Last evaluated 2024-09-30.

Conditions:
Cardiovascular phenotype. Identifiers: MedGen CN230736.
Catecholaminergic polymorphic ventricular tachycardia (CVPT). Also called: Catecholamine-induced polymorphic ventricular tachycardia. Identifiers: Orphanet 3286, MedGen C5574922, MONDO:0017990.
Cardiomyopathy (CMYO). Also called: Cardiomyopathies. Identifiers: Orphanet 167848, MedGen C0878544, MONDO:0004994, HP:0001638. Inheritance: Various modes of inheritance.
Catecholaminergic polymorphic ventricular tachycardia 1. Also called: VENTRICULAR TACHYCARDIA, CATECHOLAMINERGIC POLYMORPHIC, 1, WITH OR WITHOUT ATRIAL DYSFUNCTION AND/OR DILATED CARDIOMYOPATHY; RYR2-Related Catecholaminergic Polymorphic Ventricular Tachycardia; VENTRICULAR TACHYCARDIA, STRESS-INDUCED POLYMORPHIC 1. Identifiers: Orphanet 3286, MedGen C1631597, MONDO:0011484, OMIM 604772.

Allele frequency attached by ClinVar (database versions not stated): TOPMed 0.00002; ExAC 0.00004.
gnomAD v4.1: 25 of 1,611,830 alleles (0.0016%); highest among the groups gnomAD compares: South Asian, 0.0055%; no homozygotes.

Submissions (5):

Labcorp Genetics (formerly Invitae), Labcorp
Classification: Likely benign for Catecholaminergic polymorphic ventricular tachycardia 1. Last evaluated: 2024-09-30. Review status: criteria provided, single submitter. Criteria: Invitae Variant Classification Sherloc (09022015). Collection method: clinical testing. Allele origin: germline.

All of Us Research Program, National Institutes of Health
Classification: Uncertain significance for Catecholaminergic polymorphic ventricular tachycardia. Last evaluated: 2024-08-29. Review status: criteria provided, single submitter. Criteria: ACMG Guidelines, 2015. Collection method: clinical testing. Allele origin: germline. Inheritance: Autosomal dominant inheritance. Observed: 5 variant alleles, 5 heterozygotes.
Comment: This missense variant replaces arginine with leucine at codon 3397 of the RYR2 protein. Computational prediction tool is inconclusive regarding the impact of this variant on protein structure and function (internally defined REVEL score threshold 0.5 < inconclusive < 0.7, PMID: 27666373). Splice site prediction tools suggest that this variant may not impact RNA splicing. To our knowledge, functional studies have not been performed for this variant. This variant has not been reported in individuals affected with cardiovascular disorders in the literature. This variant has been identified in 4/246906 chromosomes in the general population by the Genome Aggregation Database (gnomAD). The available evidence is insufficient to determine the role of this variant in disease conclusively. Therefore, this variant is classified as a Variant of Uncertain Significance.

This study involves interpretation of variants in research participants for the purpose of population health screening. Participant phenotype was not available at the time of variant classification. Additional details can be found in publication PMID: 35346344, PMCID: PMC8962531

Color Diagnostics, LLC DBA Color Health
Classification: Uncertain significance for Cardiomyopathy. Last evaluated: 2024-05-03. Review status: criteria provided, single submitter. Criteria: ACMG Guidelines, 2015. Collection method: clinical testing. Allele origin: germline.
Comment: This missense variant replaces arginine with leucine at codon 3397 of the RYR2 protein. Computational prediction is inconclusive regarding the impact of this variant on protein structure and function. To our knowledge, functional studies have not been reported for this variant. This variant has not been reported in individuals affected with cardiovascular disorders in the literature. This variant has been identified in 4/246906 chromosomes in the general population by the Genome Aggregation Database (gnomAD). The available evidence is insufficient to determine the role of this variant in disease conclusively. Therefore, this variant is classified as a Variant of Uncertain Significance.

Mayo Clinic Laboratories, Mayo Clinic
Classification: Uncertain significance. Last evaluated: 2020-01-22. Review status: criteria provided, single submitter. Criteria: ACMG Guidelines, 2015. Collection method: clinical testing. Allele origin: germline. Observed: 1 variant allele.

Ambry Genetics
Classification: Uncertain significance for Cardiovascular phenotype. Last evaluated: 2019-01-28. Review status: criteria provided, single submitter. Criteria: Ambry Variant Classification Scheme 2023. Collection method: clinical testing. Allele origin: germline.
Comment: The p.R3397L variant (also known as c.10190G>T), located in coding exon 70 of the RYR2 gene, results from a G to T substitution at nucleotide position 10190. The arginine at codon 3397 is replaced by leucine, an amino acid with dissimilar properties. This amino acid position is highly conserved in available vertebrate species. In addition, this alteration is predicted to be tolerated by in silico analysis. Since supporting evidence is limited at this time, the clinical significance of this alteration remains unclear.

NM_001035.3(RYR2):c.10190G>T (p.Arg3397Leu)

Gene: RYR2 (ryanodine receptor 2; plus strand). Cytogenetic location: 1q43.
Variant type: single nucleotide variant.
Coding change: c.10190G>T on transcript NM_001035.3 (MANE Select); coding-DNA position 10190, G replaced by T.
Protein change: p.Arg3397Leu; replaces arginine 3397 with leucine.
Molecular consequence: missense variant.
Genome position (GRCh38, 1-based): chr1:237,709,527, G>T. VCF-style: chr1-237709527-G-T. GRCh37 (hg19) VCF-style: chr1-237872827-G-T.
Other names: short protein forms R3397L.
Identifiers: ClinVar variation 925524 (VCV000925524.24), dbSNP rs753630324, ClinGen allele CA063497.